The following is an entry in ClinVar:

NM_000138.5(FBN1):c.7191G>T (p.Met2397Ile)

Gene: FBN1 (fibrillin 1; minus strand). Cytogenetic location: 15q21.1.
Variant type: single nucleotide variant.
Coding change: c.7191G>T on transcript NM_000138.5 (MANE Select); coding-DNA position 7191, G replaced by T.
Protein change: p.Met2397Ile; replaces methionine 2397 with isoleucine.
Molecular consequence: missense variant.
Genome position (GRCh38, 1-based): chr15:48,427,580, C>A on the plus strand (G>T on the coding strand, the complement: FBN1 is on the minus strand). VCF-style: chr15-48427580-C-A. GRCh37 (hg19) VCF-style: chr15-48719777-C-A.
Other names: short protein forms M2397I.
Identifiers: ClinVar variation 922308 (VCV000922308.5), dbSNP rs2042987428, ClinGen allele CA392329110.

ClinVar aggregate classification (germline): Uncertain significance. Review status: criteria provided, multiple submitters, no conflicts (2 of 4 stars). 2 submissions from 2 submitters: Uncertain significance (2). Last evaluated 2023-12-04.

Conditions:
Marfan syndrome (MFS). Also called: Marfan syndrome, classic; Marfan syndrome type 1; Marfan's syndrome; FBN1-Related Marfan Syndrome; MARFAN SYNDROME, TYPE I. Identifiers: Orphanet 284963, Orphanet 558, MedGen C0024796, MONDO:0007947, OMIM 154700.
Familial thoracic aortic aneurysm and aortic dissection (TAAD). Also called: Thoracic aortic aneurysms and dissections. Identifiers: Orphanet 91387, MedGen C4707243, MONDO:0019625.

Allele frequency attached by ClinVar (database versions not stated): gnomAD exomes below 0.00001.
gnomAD v4.1: 3 of 1,614,124 alleles (0.00019%); highest among the groups gnomAD compares: Non-Finnish European, 0.00025%; no homozygotes.

Submissions (2):

Color Diagnostics, LLC DBA Color Health
Classification: Uncertain significance for Familial thoracic aortic aneurysm and aortic dissection. Last evaluated: 2023-12-04. Review status: criteria provided, single submitter. Criteria: ACMG Guidelines, 2015. Collection method: clinical testing. Allele origin: germline.
Comment: This missense variant replaces methionine with isoleucine at codon 2397 of the FBN1 protein. Computational prediction suggests that this variant may not impact protein structure and function (internally defined REVEL score threshold <= 0.5, PMID: 27666373). To our knowledge, functional studies have not been reported for this variant. This variant has not been reported in individuals affected with FBN1-related disorders in the literature. This variant has not been identified in the general population by the Genome Aggregation Database (gnomAD). The available evidence is insufficient to determine the role of this variant in disease conclusively. Therefore, this variant is classified as a Variant of Uncertain Significance.

All of Us Research Program, National Institutes of Health
Classification: Uncertain significance for Marfan syndrome. Last evaluated: 2023-10-30. Review status: criteria provided, single submitter. Criteria: ACMG Guidelines, 2015. Collection method: clinical testing. Allele origin: germline. Inheritance: Autosomal dominant inheritance. Observed: 4 variant alleles, 4 heterozygotes.
Comment: This study involves interpretation of variants in research participants for the purpose of population health screening. Participant phenotype was not available at the time of variant classification. Additional details can be found in publication PMID: 35346344, PMCID: PMC8962531